The following is an entry in ClinVar:

ClinVar aggregate classification (germline): Uncertain significance (1 of 4 stars; one submission).

Submission:

GeneDx
Classification: Uncertain significance. Last evaluated: 2024-08-20. Review status: criteria provided, single submitter. Criteria: GeneDx Variant Classification Process June 2021. Collection method: clinical testing. Allele origin: germline. Affected: yes.
Comment: Not observed at significant frequency in large population cohorts (gnomAD); In silico analysis indicates that this missense variant does not alter protein structure/function; Has not been previously published as pathogenic or benign to our knowledge

NM_015057.5(MYCBP2):c.7823A>G (p.Asn2608Ser)

Gene: MYCBP2 (MYC binding protein 2; minus strand). Cytogenetic location: 13q22.3.
Variant type: single nucleotide variant.
Coding change: c.7823A>G on transcript NM_015057.5 (MANE Select); coding-DNA position 7823, A replaced by G.
Protein change: p.Asn2608Ser; replaces asparagine 2608 with serine.
Molecular consequence: missense variant.
Genome position (GRCh38, 1-based): chr13:77,126,379, T>C on the plus strand (A>G on the coding strand, the complement: MYCBP2 is on the minus strand). VCF-style: chr13-77126379-T-C. GRCh37 (hg19) VCF-style: chr13-77700514-T-C.
Other names: short protein forms N2608S.
Identifiers: ClinVar variation 3764349 (VCV003764349.1).